The following is an entry in ClinVar:

ClinVar aggregate classification (germline): Uncertain significance. Review status: criteria provided, multiple submitters, no conflicts (2 of 4 stars). 2 submissions from 2 submitters: Uncertain significance (2). Last evaluated 2025-05-28.

Conditions:
Neurofibromatosis, type 1 (NF1). Also called: NEUROFIBROMATOSIS, TYPE I, SOMATIC; Neurofibromatosis, type I; VON RECKLINGHAUSEN DISEASE; Peripheral type neurofibromatosis. Identifiers: Orphanet 636, MedGen C0027831, MONDO:0018975, OMIM 162200. Disease mechanism: loss of function.
Cardiovascular phenotype. Identifiers: MedGen CN230736.
Hereditary cancer-predisposing syndrome. Also called: Neoplastic Syndromes, Hereditary; Tumor predisposition; Hereditary Cancer Syndrome; Hereditary neoplastic syndrome. Identifiers: Orphanet 140162, MedGen C0027672, MeSH D009386, MONDO:0015356.

Submissions (2):

Labcorp Genetics (formerly Invitae), Labcorp
Classification: Uncertain significance for Neurofibromatosis, type 1. Last evaluated: 2025-05-28. Review status: criteria provided, single submitter. Criteria: Invitae Variant Classification Sherloc (09022015). Collection method: clinical testing. Allele origin: germline.
Comment: This sequence change replaces lysine, which is basic and polar, with arginine, which is basic and polar, at codon 969 of the NF1 protein (p.Lys969Arg). This variant is not present in population databases (gnomAD no frequency). This variant has not been reported in the literature in individuals affected with NF1-related conditions. Invitae Evidence Modeling of protein sequence and biophysical properties (such as structural, functional, and spatial information, amino acid conservation, physicochemical variation, residue mobility, and thermodynamic stability) has been performed for this missense variant. However, the output from this modeling did not meet the statistical confidence thresholds required to predict the impact of this variant on NF1 protein function. In summary, the available evidence is currently insufficient to determine the role of this variant in disease. Therefore, it has been classified as a Variant of Uncertain Significance.

Ambry Genetics
Classification: Uncertain significance for Cardiovascular phenotype; Hereditary cancer-predisposing syndrome. Last evaluated: 2025-04-12. Review status: criteria provided, single submitter. Criteria: Ambry Variant Classification Scheme 2023. Collection method: clinical testing. Allele origin: germline.
Comment: The p.K969R variant (also known as c.2906A>G), located in coding exon 22 of the NF1 gene, results from an A to G substitution at nucleotide position 2906. The lysine at codon 969 is replaced by arginine, an amino acid with highly similar properties. This amino acid position is conserved. In addition, the in silico prediction for this alteration is inconclusive. Based on the available evidence, the clinical significance of this variant remains unclear.

NM_001042492.3(NF1):c.2906A>G (p.Lys969Arg)

Gene: NF1 (neurofibromin 1; plus strand). Cytogenetic location: 17q11.2.
Variant type: single nucleotide variant.
Coding change: c.2906A>G on transcript NM_001042492.3 (MANE Select); coding-DNA position 2906, A replaced by G.
Protein change: p.Lys969Arg; replaces lysine 969 with arginine.
Molecular consequence: missense variant.
Genome position (GRCh38, 1-based): chr17:31,229,890, A>G. VCF-style: chr17-31229890-A-G. GRCh37 (hg19) VCF-style: chr17-29556908-A-G.
Other names: c.2906A>G, p.Lys969Arg (NM_000267.4); short protein forms K969R.
Identifiers: ClinVar variation 4021143 (VCV004021143.2).